The following is an entry in ClinVar:

NM_174936.4(PCSK9):c.194A>G (p.His65Arg)

Gene: PCSK9 (proprotein convertase subtilisin/kexin type 9; plus strand). Cytogenetic location: 1p32.3.
Variant type: single nucleotide variant.
Coding change: c.194A>G on transcript NM_174936.4 (MANE Select); coding-DNA position 194, A replaced by G.
Protein change: p.His65Arg; replaces histidine 65 with arginine.
Molecular consequence: missense variant. On other transcripts: 5 prime UTR variant (1), non-coding transcript variant (8).
Genome position (GRCh38, 1-based): chr1:55,040,031, A>G. VCF-style: chr1-55040031-A-G. GRCh37 (hg19) VCF-style: chr1-55505704-A-G.
Other names: c.194A>G, p.His65Arg (NM_001407240.1, NM_001407241.1, NM_001407242.1 and 4 more transcripts); c.-541A>G (NM_001407246.1); short protein forms H65R.
Identifiers: ClinVar variation 4756500 (VCV004756500.1).

ClinVar aggregate classification (germline): Uncertain significance (1 of 4 stars; one submission).

Conditions:
Familial hypercholesterolemia. Also called: Familial hypercholesterolaemia. Identifiers: MedGen C0020445, MONDO:0005439.

Submission:

Color Diagnostics, LLC DBA Color Health
Classification: Uncertain significance for Familial hypercholesterolemia. Last evaluated: 2025-09-11. Review status: criteria provided, single submitter. Criteria: ACMG Guidelines, 2015. Collection method: clinical testing. Allele origin: germline.
Comment: This missense variant replaces histidine with arginine at codon 65 of the PCSK9 protein. Computational prediction suggests that this variant may not impact protein structure and function. To our knowledge, functional studies have not been reported for this variant. This variant has not been reported in individuals affected with PCSK9-related disorders in the literature. This variant has not been identified in the general population by the Genome Aggregation Database (gnomAD). The available evidence is insufficient to determine the role of this variant in disease conclusively. Therefore, this variant is classified as a Variant of Uncertain Significance.